The following is an entry in ClinVar:

ClinVar aggregate classification (germline): Benign (0 of 4 stars; one submission).

Conditions:
ATXN2-related disorder. Also called: ATXN2-related condition.

Submission:

PreventionGenetics, part of Exact Sciences
Classification: Benign for ATXN2-related condition. Last evaluated: 2020-03-17. Review status: no assertion criteria provided. Collection method: clinical testing. Allele origin: germline.
Comment: This variant is classified as benign based on ACMG/AMP sequence variant interpretation guidelines (Richards et al. 2015 PMID: 25741868, with internal and published modifications).

NM_001372574.1(ATXN2):c.2525-7del

Gene: ATXN2 (ataxin 2; minus strand). Cytogenetic location: 12q24.12.
Variant type: Deletion.
Coding change: c.2525-7del on transcript NM_001372574.1 (MANE Select); 7 bases into the intron before coding-DNA position 2525, one base deleted (T; older notation c.2525-7delT).
Molecular consequence: intron variant.
Genome position (GRCh38, 1-based): chr12:111,470,749, A deleted on the plus strand (T on the coding strand, the reverse complement: ATXN2 is on the minus strand); the first of 8 consecutive A bases (chr12:111,470,749-111,470,756); deleting any one gives the same sequence. VCF-style (leftmost placement, unchanged base first): chr12-111470748-GA-G. GRCh37 (hg19) VCF-style: chr12-111908552-GA-G.
Other names: c.2132-7del (NM_001310123.1); c.2204-7del (NM_001310121.1); c.2519-7del (NM_002973.4).
Identifiers: ClinVar variation 3044160 (VCV003044160.2), dbSNP rs373533079, ClinGen allele CA6790365.
Genomic context (GRCh38, chr12:111,470,748, plus strand): 5'-TGCATCATGGCACTCTGATGATGCTGGTCTTGCCGCTGTTGGGGCATATTTGGTACTGCA[GA>G]AAAAAAAGCAGACTGCCTATTAAACAGTATCTCCACAGCATAATACATGTGTTCACATGG-3'